The following is an entry in ClinVar:

ClinVar aggregate classification (germline): Uncertain significance. Review status: criteria provided, multiple submitters, no conflicts (2 of 4 stars). 3 submissions from 3 submitters: Uncertain significance (3). Last evaluated 2022-09-01.

Conditions:
Lysinuric protein intolerance (LPI). Identifiers: Orphanet 470, MedGen C0268647, MONDO:0009109, OMIM 222700.
Inborn genetic diseases. Identifiers: MedGen C0950123, MeSH D030342.

Allele frequency attached by ClinVar (database versions not stated): gnomAD exomes below 0.00001; TOPMed 0.00001.
gnomAD v4.1: 1 of 1,610,250 alleles (0.000062%); highest among the groups gnomAD compares: South Asian, 0.0011%; no homozygotes.

Submissions (3):

Labcorp Genetics (formerly Invitae), Labcorp
Classification: Uncertain significance for Lysinuric protein intolerance. Last evaluated: 2022-09-01. Review status: criteria provided, single submitter. Criteria: Invitae Variant Classification Sherloc (09022015). Collection method: clinical testing. Allele origin: germline.
Comment: In summary, the available evidence is currently insufficient to determine the role of this variant in disease. Therefore, it has been classified as a Variant of Uncertain Significance. Algorithms developed to predict the effect of missense changes on protein structure and function output the following: SIFT: "Tolerated"; PolyPhen-2: "Benign"; Align-GVGD: "Class C0". The serine amino acid residue is found in multiple mammalian species, which suggests that this missense change does not adversely affect protein function. ClinVar contains an entry for this variant (Variation ID: 853452). This variant has not been reported in the literature in individuals affected with SLC7A7-related conditions. This variant is not present in population databases (gnomAD no frequency). This sequence change replaces threonine, which is neutral and polar, with serine, which is neutral and polar, at codon 299 of the SLC7A7 protein (p.Thr299Ser).

Fulgent Genetics
Classification: Uncertain significance for Lysinuric protein intolerance. Last evaluated: 2021-12-07. Review status: criteria provided, single submitter. Criteria: ACMG Guidelines, 2015. Collection method: clinical testing. Allele origin: unknown.

Ambry Genetics
Classification: Uncertain significance for Inborn genetic diseases. Last evaluated: 2021-07-14. Review status: criteria provided, single submitter. Criteria: Ambry Variant Classification Scheme 2023. Collection method: clinical testing. Allele origin: germline.

NM_003982.4(SLC7A7):c.896C>G (p.Thr299Ser)

Gene: SLC7A7 (solute carrier family 7 member 7; minus strand). Cytogenetic location: 14q11.2.
Variant type: single nucleotide variant.
Coding change: c.896C>G on transcript NM_003982.4 (MANE Select); coding-DNA position 896, C replaced by G.
Protein change: p.Thr299Ser; replaces threonine 299 with serine.
Molecular consequence: missense variant.
Genome position (GRCh38, 1-based): chr14:22,775,935, G>C on the plus strand (C>G on the coding strand, the complement: SLC7A7 is on the minus strand). VCF-style: chr14-22775935-G-C. GRCh37 (hg19) VCF-style: chr14-23245144-G-C.
Other names: c.896C>G, p.Thr299Ser (NM_001126105.3, NM_001126106.4); short protein forms T299S.
Identifiers: ClinVar variation 853452 (VCV000853452.10), dbSNP rs1409622896, ClinGen allele CA388923457.